The following is an entry in ClinVar:

NM_000169.3(GLA):c.538T>C (p.Leu180=)

Genes: GLA (galactosidase alpha; minus strand), RPL36A-HNRNPH2 (RPL36A-HNRNPH2 readthrough; plus strand). Cytogenetic location: Xq22.1.
Variant type: single nucleotide variant.
Coding change: c.538T>C on transcript NM_000169.3 (MANE Select); coding-DNA position 538, T replaced by C.
Protein change: p.Leu180=; no amino-acid change (leucine 180 retained).
Molecular consequence: synonymous variant. On other transcripts: non-coding transcript variant (3), intron variant (2).
Genome position (GRCh38, 1-based): chrX:101,401,641, A>G on the plus strand (T>C on the coding strand, the complement: GLA is on the minus strand). VCF-style: chrX-101401641-A-G. GRCh37 (hg19) VCF-style: chrX-100656629-A-G.
Other names: c.661T>C, p.Leu221= (NM_001406747.1, NM_001406749.1); c.538T>C, p.Leu180= (NM_001406748.1); c.300+6184A>G (NM_001199973.2); c.177+9819A>G (NM_001199974.2).
Identifiers: ClinVar variation 4974895 (VCV004974895.1).

ClinVar aggregate classification (germline): Likely benign (1 of 4 stars; one submission).

Conditions:
Fabry disease. Also called: Fabry's disease; ALPHA-GALACTOSIDASE A DEFICIENCY; ANDERSON-FABRY DISEASE; CERAMIDE TRIHEXOSIDASE DEFICIENCY; GLA DEFICIENCY; HEREDITARY DYSTOPIC LIPIDOSIS. Identifiers: Orphanet 324, MedGen C0002986, MONDO:0010526, OMIM 301500, HP:0001071. Disease mechanism: Fabry disease is due to inactivating mutations in the X-linked GLA gene resulting in deficiency of the enzyme Alpha Galactosidase-A., loss of function.

gnomAD v4.1: 1 of 1,210,161 alleles (0.000083%); no homozygotes.

Submission:

Genomenon, Inc
Classification: Likely benign for Fabry disease. Last evaluated: 2026-09-08. Review status: criteria provided, single submitter. Criteria: Genomenon Sequence Variant Interpretation Standards - Updated. Collection method: curation. Allele origin: germline. Affected: no.
Comment: GLA c.538T>C is a synonymous variant that retains Leucine at codon 180. This variant has been reported in the published literature (PMID:39099234). It is absent or not present at a significant frequency in gnomAD. This variant is not predicted to impact splicing. In conclusion, we classify GLA p.Leu180= (c.538T>C) as a likely benign variant.

Literature cited by the submitters: PubMed 39099234.